The following is an entry in ClinVar:

ClinVar aggregate classification (germline): Uncertain significance (1 of 4 stars; one submission).

Conditions:
Immunodeficiency 35 (IMD35). Also called: HIES WITH ATYPICAL MYCOBACTERIOSIS, AUTOSOMAL RECESSIVE; HYPER-IgE SYNDROME WITH ATYPICAL MYCOBACTERIOSIS, AUTOSOMAL RECESSIVE; Susceptibility to infection due to TYK2 deficiency; TYK2 DEFICIENCY. Identifiers: Orphanet 331226, MedGen C1969086, MONDO:0012682, OMIM 611521.

Allele frequency attached by ClinVar (database versions not stated): ExAC 0.00003; gnomAD exomes 0.00003; gnomAD 0.00004; TOPMed 0.00005; ESP Exome Variant Server 0.00008.
gnomAD v4.1: 44 of 1,613,998 alleles (0.0027%); highest among the groups gnomAD compares: African/African-American, 0.0093%; no homozygotes.

Submission:

Labcorp Genetics (formerly Invitae), Labcorp
Classification: Uncertain significance for Immunodeficiency 35. Last evaluated: 2024-11-18. Review status: criteria provided, single submitter. Criteria: Invitae Variant Classification Sherloc (09022015). Collection method: clinical testing. Allele origin: germline.
Comment: This sequence change replaces glutamic acid, which is acidic and polar, with lysine, which is basic and polar, at codon 588 of the TYK2 protein (p.Glu588Lys). This variant is present in population databases (rs150068365, gnomAD 0.01%). This variant has not been reported in the literature in individuals affected with TYK2-related conditions. ClinVar contains an entry for this variant (Variation ID: 2157260). Invitae Evidence Modeling of protein sequence and biophysical properties (such as structural, functional, and spatial information, amino acid conservation, physicochemical variation, residue mobility, and thermodynamic stability) indicates that this missense variant is expected to disrupt TYK2 protein function with a positive predictive value of 80%. In summary, the available evidence is currently insufficient to determine the role of this variant in disease. Therefore, it has been classified as a Variant of Uncertain Significance.

NM_003331.5(TYK2):c.1762G>A (p.Glu588Lys)

Gene: TYK2 (tyrosine kinase 2; minus strand). Cytogenetic location: 19p13.2.
Variant type: single nucleotide variant.
Coding change: c.1762G>A on transcript NM_003331.5 (MANE Select); coding-DNA position 1762, G replaced by A.
Protein change: p.Glu588Lys; replaces glutamic acid 588 with lysine.
Molecular consequence: missense variant.
Genome position (GRCh38, 1-based): chr19:10,362,089, C>T on the plus strand (G>A on the coding strand, the complement: TYK2 is on the minus strand). VCF-style: chr19-10362089-C-T. GRCh37 (hg19) VCF-style: chr19-10472765-C-T.
Other names: c.1762G>A, p.Glu588Lys (NM_001385197.1, NM_001385198.1, NM_001385199.1 and 6 more transcripts); c.1564G>A, p.Glu522Lys (NM_001385201.1); c.1672G>A, p.Glu558Lys (NM_001385205.1); c.1636G>A, p.Glu546Lys (NM_001385206.1); short protein forms E522K, E558K, E588K, E546K.
Identifiers: ClinVar variation 2157260 (VCV002157260.3), dbSNP rs150068365, ClinGen allele CA9193314.